The following is an entry in ClinVar:

ClinVar aggregate classification (germline): Uncertain significance (1 of 4 stars; one submission).

Conditions:
Spondyloepiphyseal dysplasia with congenital joint dislocations (SEDCJD). Also called: Chondrodysplasia with Congenital Joint Dislocations, CHST3-Related. Identifiers: Orphanet 263463, MedGen C1837657, MONDO:0007738, OMIM 143095.

Allele frequency attached by ClinVar (database versions not stated): ExAC 0.00003; gnomAD exomes 0.00006 and 0.00002; 1000 Genomes Project 30x 0.00016; gnomAD 0.00001; TOPMed 0.00001.
gnomAD v4.1: 35 of 1,574,216 alleles (0.0022%); highest among the groups gnomAD compares: East Asian, 0.083%; no homozygotes.

Submission:

Labcorp Genetics (formerly Invitae), Labcorp
Classification: Uncertain significance for Spondyloepiphyseal dysplasia with congenital joint dislocations. Last evaluated: 2022-06-08. Review status: criteria provided, single submitter. Criteria: Invitae Variant Classification Sherloc (09022015). Collection method: clinical testing. Allele origin: germline.
Comment: This sequence change replaces proline, which is neutral and non-polar, with arginine, which is basic and polar, at codon 290 of the CHST3 protein (p.Pro290Arg). This variant is present in population databases (rs768963465, gnomAD 0.03%). This variant has not been reported in the literature in individuals affected with CHST3-related conditions. Algorithms developed to predict the effect of missense changes on protein structure and function are either unavailable or do not agree on the potential impact of this missense change (SIFT: "Deleterious"; PolyPhen-2: "Possibly Damaging"; Align-GVGD: "Class C0"). In summary, the available evidence is currently insufficient to determine the role of this variant in disease. Therefore, it has been classified as a Variant of Uncertain Significance.

NM_004273.5(CHST3):c.869C>G (p.Pro290Arg)

Gene: CHST3 (carbohydrate sulfotransferase 3; plus strand). Cytogenetic location: 10q22.1.
Variant type: single nucleotide variant.
Coding change: c.869C>G on transcript NM_004273.5 (MANE Select); coding-DNA position 869, C replaced by G.
Protein change: p.Pro290Arg; replaces proline 290 with arginine.
Molecular consequence: missense variant.
Genome position (GRCh38, 1-based): chr10:72,007,900, C>G. VCF-style: chr10-72007900-C-G. GRCh37 (hg19) VCF-style: chr10-73767658-C-G.
Other names: short protein forms P290R.
Identifiers: ClinVar variation 1477499 (VCV001477499.3), dbSNP rs768963465, ClinGen allele CA5548186.